The following is an entry in ClinVar:

ClinVar aggregate classification (germline): Conflicting classifications of pathogenicity. Review status: criteria provided, conflicting classifications (1 of 4 stars). 24 submissions from 20 submitters: Uncertain significance (4); Benign (2); Likely benign (12). 6 of the submissions do not count toward it. Last evaluated 2026-09-01.

Conditions:
TTN-related disorder. Also called: TTN-related disorders; TTN-related condition; TTN-related disease.
Cardiovascular phenotype. Identifiers: MedGen CN230736.
Autosomal recessive limb-girdle muscular dystrophy type 2J (LGMDR10). Also called: Limb-girdle muscular dystrophy, type 2J; MUSCULAR DYSTROPHY, LIMB-GIRDLE, AUTOSOMAL RECESSIVE 10. Identifiers: Orphanet 140922, MedGen C1837342, MONDO:0012127, OMIM 608807.
Dilated cardiomyopathy 1G (CMD1G). Identifiers: Orphanet 154, MedGen C1858763, MONDO:0011400, OMIM 604145.
Cardiomyopathy (CMYO). Also called: Cardiomyopathies. Identifiers: Orphanet 167848, MedGen C0878544, MONDO:0004994, HP:0001638. Inheritance: Various modes of inheritance.
Early-onset myopathy with fatal cardiomyopathy (CMYO5). Also called: Salih Myopathy; CONGENITAL MYOPATHY 5 WITH CARDIOMYOPATHY. Identifiers: Orphanet 289377, MedGen C2673677, MONDO:0012714, OMIM 611705. Disease mechanism: loss of function.
Myopathy, myofibrillar, 9, with early respiratory failure (MFM9). Also called: Myopathy, distal, with early respiratory failure, autosomal dominant; EDSTROM MYOPATHY; MYOPATHY, PROXIMAL, WITH EARLY RESPIRATORY MUSCLE INVOLVEMENT; Hereditary myopathy with early respiratory failure. Identifiers: Orphanet 178464, Orphanet 34521, MedGen C1863599, MONDO:0011362, OMIM 603689.
Tibial muscular dystrophy (TMD). Also called: Udd Distal Myopathy – Tibial Muscular Dystrophy; UDD MYOPATHY; Tibial muscular dystrophy, tardive. Identifiers: Orphanet 609, MedGen C1838244, MONDO:0010870, OMIM 600334.

Allele frequency attached by ClinVar (database versions not stated): ExAC 0.00009; gnomAD exomes 0.00021; gnomAD 0.00024; TOPMed 0.00025; ESP Exome Variant Server 0.00031.
gnomAD v4.1: 688 of 1,614,152 alleles (0.043%); highest among the groups gnomAD compares: Non-Finnish European, 0.054%; 1 homozygote.

Submissions (24):

CeGaT Center for Human Genetics Tuebingen
Classification: Likely benign. Last evaluated: 2026-09-01. Review status: criteria provided, single submitter. Criteria: CeGaT Center For Human Genetics Tuebingen Variant Classification Criteria Version 2. Collection method: clinical testing. Allele origin: germline. Affected: yes. Observed: 6 variant alleles.
Comment: TTN: BP4, BP7

Labcorp Genetics (formerly Invitae), Labcorp
Classification: Likely benign for Dilated cardiomyopathy 1G; Autosomal recessive limb-girdle muscular dystrophy type 2J. Last evaluated: 2026-02-01. Review status: criteria provided, single submitter. Criteria: Invitae Variant Classification Sherloc (09022015). Collection method: clinical testing. Allele origin: germline.

Molecular Diagnostic Laboratory for Inherited Cardiovascular Disease, Montreal Heart Institute
Classification: Likely benign. Last evaluated: 2025-07-24. Review status: criteria provided, single submitter. Criteria: ACMG Guidelines, 2015. Collection method: clinical testing. Allele origin: germline. Affected: no.
Comment: BP7

Women's Health and Genetics/Laboratory Corporation of America, LabCorp
Classification: Likely benign. Last evaluated: 2025-03-31. Review status: criteria provided, single submitter. Criteria: LabCorp Variant Classification Summary - May 2015. Collection method: clinical testing. Allele origin: germline.

Revvity Omics, Revvity
Classification: Likely benign. Last evaluated: 2024-10-30. Review status: criteria provided, single submitter. Criteria: ACMG Guidelines, 2015. Collection method: clinical testing. Allele origin: germline.

ARUP Laboratories, Molecular Genetics and Genomics, ARUP Laboratories
Classification: Likely benign. Last evaluated: 2024-10-08. Review status: criteria provided, single submitter. Criteria: ARUP Molecular Germline Variant Investigation Process 2024. Collection method: clinical testing. Allele origin: germline.

Blueprint Genetics
Classification: Likely benign. Last evaluated: 2024-09-24. Review status: criteria provided, single submitter. Criteria: ACMG Guidelines, 2015. Collection method: clinical testing. Allele origin: germline.

Athena Diagnostics
Classification: Benign. Last evaluated: 2021-02-18. Review status: criteria provided, single submitter. Criteria: Athena Diagnostics criteria. Collection method: clinical testing. Allele origin: unknown.

CHEO Genetics Diagnostic Laboratory, Children's Hospital of Eastern Ontario
Classification: Likely benign for Cardiomyopathy. Last evaluated: 2019-09-11. Review status: criteria provided, single submitter. Criteria: ACMG Guidelines, 2015. Collection method: clinical testing. Allele origin: germline.

GeneDx
Classification: Likely benign. Last evaluated: 2019-09-03. Review status: criteria provided, single submitter. Criteria: GeneDx Variant Classification Process June 2021. Collection method: clinical testing. Allele origin: germline. Affected: yes.

Eurofins Ntd Llc (ga)
Classification: Uncertain significance. Last evaluated: 2018-06-14. Review status: criteria provided, single submitter. Criteria: EGL ClinVar v180209 classification definitions. Collection method: clinical testing. Allele origin: germline. Observed: 6 variant alleles, 6 heterozygotes.

Ambry Genetics
Classification: Likely benign for Cardiovascular phenotype. Last evaluated: 2018-04-10. Review status: criteria provided, single submitter. Criteria: Ambry Variant Classification Scheme 2023. Collection method: clinical testing. Allele origin: germline.

Illumina Laboratory Services, Illumina
Classification: Uncertain significance for Autosomal recessive limb-girdle muscular dystrophy type 2J. Last evaluated: 2018-01-13. Review status: criteria provided, single submitter. Criteria: ICSL Variant Classification Criteria 13 December 2019. Collection method: clinical testing. Allele origin: germline.

Illumina Laboratory Services, Illumina
Classification: Likely benign for Myopathy, myofibrillar, 9, with early respiratory failure. Last evaluated: 2018-01-13. Review status: criteria provided, single submitter. Criteria: ICSL Variant Classification Criteria 13 December 2019. Collection method: clinical testing. Allele origin: germline.
Comment: This variant was observed in the ICSL laboratory as part of a predisposition screen in an ostensibly healthy population. It had not been previously curated by ICSL or reported in the Human Gene Mutation Database (HGMD: prior to June 1st, 2018), and was therefore a candidate for classification through an automated scoring system. Utilizing variant allele frequency, disease prevalence and penetrance estimates, and inheritance mode, an automated score was calculated to assess if this variant is too frequent to cause the disease. Based on the score and internal cut-off values, a variant classified as likely benign is not then subjected to further curation. The score for this variant resulted in a classification of likely benign for this disease.

Illumina Laboratory Services, Illumina
Classification: Benign for Tibial muscular dystrophy. Last evaluated: 2018-01-13. Review status: criteria provided, single submitter. Criteria: ICSL Variant Classification Criteria 13 December 2019. Collection method: clinical testing. Allele origin: germline.
Comment: This variant was observed in the ICSL laboratory as part of a predisposition screen in an ostensibly healthy population. It had not been previously curated by ICSL or reported in the Human Gene Mutation Database (HGMD: prior to June 1st, 2018), and was therefore a candidate for classification through an automated scoring system. Utilizing variant allele frequency, disease prevalence and penetrance estimates, and inheritance mode, an automated score was calculated to assess if this variant is too frequent to cause the disease. Based on the score and internal cut-off values, a variant classified as benign is not then subjected to further curation. The score for this variant resulted in a classification of benign for this disease.

Illumina Laboratory Services, Illumina
Classification: Uncertain significance for Early-onset myopathy with fatal cardiomyopathy. Last evaluated: 2018-01-13. Review status: criteria provided, single submitter. Criteria: ICSL Variant Classification Criteria 13 December 2019. Collection method: clinical testing. Allele origin: germline.

Illumina Laboratory Services, Illumina
Classification: Uncertain significance for Dilated cardiomyopathy 1G. Last evaluated: 2018-01-13. Review status: criteria provided, single submitter. Criteria: ICSL Variant Classification Criteria 13 December 2019. Collection method: clinical testing. Allele origin: germline.

Laboratory for Molecular Medicine, Mass General Brigham Personalized Medicine
Classification: Likely benign. Last evaluated: 2012-03-19. Review status: criteria provided, single submitter. Criteria: LMM Criteria. Collection method: clinical testing. Allele origin: germline. Observed: 1 variant allele.
Comment: p.Tyr350Tyr in exon 7 of TTN: This variant is not expected to have clinical sign ificance because it does not alter an amino acid residue and is not located with in the splice consensus sequence. It has been identified in 0.1% (4/7020) of Eur opean American chromosomes from a broad population by the NHLBI Exome Sequencing Project.

PreventionGenetics, part of Exact Sciences
Classification: Likely benign for TTN-related condition. Last evaluated: 2019-10-11. Review status: no assertion criteria provided. Collection method: clinical testing. Allele origin: germline. Not counted in ClinVar's aggregate classification.
Comment: This variant is classified as likely benign based on ACMG/AMP sequence variant interpretation guidelines (Richards et al. 2015 PMID: 25741868, with internal and published modifications).

Clinical Genetics DNA and cytogenetics Diagnostics Lab, Erasmus MC, Erasmus Medical Center
Classification: Likely benign. Review status: no assertion criteria provided. Collection method: clinical testing. Allele origin: germline. Affected: yes. Study: VKGL Data-share Consensus. Not counted in ClinVar's aggregate classification.

Clinical Genetics, Academic Medical Center
Classification: Benign. Review status: no assertion criteria provided. Collection method: clinical testing. Allele origin: germline. Affected: yes. Study: VKGL Data-share Consensus. Not counted in ClinVar's aggregate classification.

Genome Diagnostics Laboratory, University Medical Center Utrecht
Classification: Likely benign. Review status: no assertion criteria provided. Collection method: clinical testing. Allele origin: germline. Affected: yes. Study: VKGL Data-share Consensus. Not counted in ClinVar's aggregate classification.

Joint Genome Diagnostic Labs from Nijmegen and Maastricht, Radboudumc and MUMC+
Classification: Likely benign. Review status: no assertion criteria provided. Collection method: clinical testing. Allele origin: germline. Affected: yes. Study: VKGL Data-share Consensus. Not counted in ClinVar's aggregate classification.

Laboratory of Diagnostic Genome Analysis, Leiden University Medical Center (LUMC)
Classification: Likely benign. Review status: no assertion criteria provided. Collection method: clinical testing. Allele origin: germline. Affected: yes. Study: VKGL Data-share Consensus. Not counted in ClinVar's aggregate classification.

NM_001267550.2(TTN):c.1050C>T (p.Tyr350=)

Gene: TTN (titin; minus strand). Cytogenetic location: 2q31.2.
Variant type: single nucleotide variant.
Coding change: c.1050C>T on transcript NM_001267550.2 (MANE Select); coding-DNA position 1050, C replaced by T.
Protein change: p.Tyr350=; no amino-acid change (tyrosine 350 retained).
Molecular consequence: synonymous variant.
Genome position (GRCh38, 1-based): chr2:178,795,117, G>A on the plus strand (C>T on the coding strand, the complement: TTN is on the minus strand). VCF-style: chr2-178795117-G-A. GRCh37 (hg19) VCF-style: chr2-179659844-G-A.
Other names: c.1050C>T, p.Tyr350= (NM_003319.4, NM_133379.5, NM_133432.3 and 3 more transcripts); c.1050C>T (NM_001267550.1).
Identifiers: ClinVar variation 198614 (VCV000198614.80), dbSNP rs375448572, ClinGen allele CA247370.